The following is an entry in ClinVar:

GRCh38/hg38 20q13.13-13.2(chr20:49731076-51202566)x1

Genes: MIR12122 (microRNA 12122; plus strand), MIR1302-5 (microRNA 1302-5; minus strand), MIR645 (microRNA 645; plus strand), MOCS3 (molybdenum cofactor synthesis 3; plus strand), PARD6B (par-6 family cell polarity regulator beta; plus strand) and 121 more. Cytogenetic location: 20q13.13-13.2.
Variant type: copy number loss.
Change: copy number 1 (one copy instead of two) of chr20:49,731,076-51,202,566 (1.47 Mb, GRCh38 coordinates, 1-based), cytogenetic band 20q13.13-13.2.
Identifiers: ClinVar variation 58973 (VCV000058973.1).

ClinVar aggregate classification (germline): Pathogenic (1 of 4 stars; one submission).

Submission:

ISCA site 15
Classification: Pathogenic. Last evaluated: 2011-08-12. Review status: criteria provided, single submitter. Criteria: Kaminsky et al. (Genet Med. 2011). Collection method: clinical testing. Allele origin: de novo. Affected: yes. Observed: 1 variant allele.
Comment: Copy number variation identified through the course of routine clinical cytogenomic testing in postnatal populations. Clinical assertions have been curated as described in Kaminsky et al. 2011.